The following is an entry in ClinVar:

ClinVar aggregate classification (germline): Uncertain significance. Review status: criteria provided, multiple submitters, no conflicts (2 of 4 stars). 2 submissions from 2 submitters: Uncertain significance (2). Last evaluated 2021-09-01.

Allele frequency attached by ClinVar (database versions not stated): gnomAD exomes 0.00001 and 0.00007; gnomAD 0.00002 and 0.00003; TOPMed 0.00002.
gnomAD v4.1: 99 of 1,614,118 alleles (0.0061%); highest among the groups gnomAD compares: Non-Finnish European, 0.0082%; no homozygotes.

Submissions (2):

Labcorp Genetics (formerly Invitae), Labcorp
Classification: Uncertain significance. Last evaluated: 2021-09-01. Review status: criteria provided, single submitter. Criteria: Invitae Variant Classification Sherloc (09022015). Collection method: clinical testing. Allele origin: germline.
Comment: This sequence change replaces histidine with aspartic acid at codon 546 of the HPS4 protein (p.His546Asp). The histidine residue is highly conserved and there is a moderate physicochemical difference between histidine and aspartic acid. This variant is not present in population databases (ExAC no frequency). This variant has not been reported in the literature in individuals affected with HPS4-related conditions. Algorithms developed to predict the effect of missense changes on protein structure and function are either unavailable or do not agree on the potential impact of this missense change (SIFT: "Tolerated"; PolyPhen-2: "Probably Damaging"; Align-GVGD: "Class C0"). In summary, the available evidence is currently insufficient to determine the role of this variant in disease. Therefore, it has been classified as a Variant of Uncertain Significance.

GeneDx
Classification: Uncertain significance. Last evaluated: 2019-11-19. Review status: criteria provided, single submitter. Criteria: GeneDx Variant Classification Process June 2021. Collection method: clinical testing. Allele origin: germline. Affected: yes.
Comment: Has not been previously published as pathogenic or benign to our knowledge; Not observed at a significant frequency in large population cohorts (Lek et al., 2016); In silico analysis, which includes protein predictors and evolutionary conservation, supports a deleterious effect

NM_022081.6(HPS4):c.1636C>G (p.His546Asp)

Gene: HPS4 (HPS4 biogenesis of lysosomal organelles complex 3 subunit 2; minus strand). Cytogenetic location: 22q12.1.
Variant type: single nucleotide variant.
Coding change: c.1636C>G on transcript NM_022081.6 (MANE Select); coding-DNA position 1636, C replaced by G.
Protein change: p.His546Asp; replaces histidine 546 with aspartic acid.
Molecular consequence: missense variant. On other transcripts: non-coding transcript variant (8).
Genome position (GRCh38, 1-based): chr22:26,463,994, G>C on the plus strand (C>G on the coding strand, the complement: HPS4 is on the minus strand). VCF-style: chr22-26463994-G-C. GRCh37 (hg19) VCF-style: chr22-26859960-G-C.
Other names: c.1636C>G, p.His546Asp (NM_001349896.1, NM_001349898.2, NM_001349899.2 and 4 more transcripts); c.1690C>G, p.His564Asp (NM_001349900.2, NM_001349901.1); c.1621C>G, p.His541Asp (NM_152841.2); short protein forms H541D, H546D, H564D.
Identifiers: ClinVar variation 1310263 (VCV001310263.6), dbSNP rs751938775, ClinGen allele CA322844992.